The following is an entry in ClinVar:

NM_000051.4(ATM):c.7927A>G (p.Lys2643Glu)

Genes: ATM (ATM serine/threonine kinase; plus strand), C11orf65 (chromosome 11 open reading frame 65; minus strand). Cytogenetic location: 11q22.3.
Variant type: single nucleotide variant.
Coding change: c.7927A>G on transcript NM_000051.4 (MANE Select); coding-DNA position 7927, A replaced by G.
Protein change: p.Lys2643Glu; replaces lysine 2643 with glutamic acid.
Molecular consequence: missense variant. On other transcripts: intron variant (2).
Genome position (GRCh38, 1-based): chr11:108,332,900, A>G. VCF-style: chr11-108332900-A-G. GRCh37 (hg19) VCF-style: chr11-108203627-A-G.
Other names: c.7927A>G, p.Lys2643Glu (NM_001351834.2); c.641-23829T>C (NM_001330368.2); c.*38+2320T>C (NM_001351110.2); short protein forms K2643E.
Identifiers: ClinVar variation 142475 (VCV000142475.6), dbSNP rs587782487, ClinGen allele CA168452.
Genomic context (GRCh38, chr11:108,332,900, plus strand): 5'-CTTTGTGATGCTTATATTATATTAGCAAACTTAGATGCCACTCAGTGGAAGACTCAGAGA[A>G]GTATGTTTTTTTTAAAGAAGAAACGTTACTTTCTTGCTGTGTTACTCTCTGTAGAGATAT-3'
Protein context (NP_000042.3, residues 2633-2653): LDATQWKTQR[Lys2643Glu]GINIPADQPI

ClinVar aggregate classification (germline): Uncertain significance (1 of 4 stars; one submission).

Conditions:
Hereditary cancer-predisposing syndrome. Also called: Neoplastic Syndromes, Hereditary; Hereditary Cancer Syndrome; Tumor predisposition; Hereditary neoplastic syndrome. Identifiers: Orphanet 140162, MedGen C0027672, MeSH D009386, MONDO:0015356.

Submission:

Ambry Genetics
Classification: Uncertain significance for Hereditary cancer-predisposing syndrome. Last evaluated: 2025-08-13. Review status: criteria provided, single submitter. Criteria: Ambry Variant Classification Scheme 2023. Collection method: clinical testing. Allele origin: germline.
Comment: The c.7927A>G variant (also known as p.K2643E), located in coding exon 52 of the ATM gene, results from an A to G substitution at nucleotide position 7927. The amino acid change results in lysine to glutamic acid at codon 2643, an amino acid with similar properties. This amino acid position is well conserved in available vertebrate species. In addition, the in silico prediction for this alteration is inconclusive. Based on the available evidence, the clinical significance of this variant remains unclear.